The following is an entry in ClinVar:

ClinVar aggregate classification (germline): Uncertain significance (1 of 4 stars; one submission).

Conditions:
Developmental and epileptic encephalopathy, 42 (DEE42A). Also called: DEVELOPMENTAL AND EPILEPTIC ENCEPHALOPATHY 42A; EPILEPTIC ENCEPHALOPATHY, EARLY INFANTILE, 42A; Epileptic encephalopathy, early infantile, 42. Identifiers: MedGen C4310716, MONDO:0014917, OMIM 617106.
Episodic ataxia type 2 (EA2). Also called: CEREBELLAR ATAXIA, PAROXYSMAL, ACETAZOLAMIDE-RESPONSIVE; CEREBELLOPATHY, HEREDITARY PAROXYSMAL; EPISODIC ATAXIA, NYSTAGMUS-ASSOCIATED; ACETAZOLAMIDE-RESPONSIVE HEREDITARY PAROXYSMAL CEREBELLAR ATAXIA; ATAXIA, EPISODIC, WITH NYSTAGMUS; ATAXIA, FAMILIAL PAROXYSMAL. Identifiers: Orphanet 97, MedGen C1720416, MONDO:0007163, OMIM 108500.

Submission:

Labcorp Genetics (formerly Invitae), Labcorp
Classification: Uncertain significance for Developmental and epileptic encephalopathy, 42; Episodic ataxia type 2. Last evaluated: 2019-06-07. Review status: criteria provided, single submitter. Criteria: Invitae Variant Classification Sherloc (09022015). Collection method: clinical testing. Allele origin: germline.
Comment: In summary, the available evidence is currently insufficient to determine the role of this variant in disease. Therefore, it has been classified as a Variant of Uncertain Significance. Algorithms developed to predict the effect of missense changes on protein structure and function are either unavailable or do not agree on the potential impact of this missense change (SIFT: "Deleterious"; PolyPhen-2: "Benign"; Align-GVGD: "Class C0"). This variant has not been reported in the literature in individuals with CACNA1A-related conditions. This variant is not present in population databases (ExAC no frequency). This sequence change replaces proline with serine at codon 1137 of the CACNA1A protein (p.Pro1137Ser). The proline residue is moderately conserved and there is a moderate physicochemical difference between proline and serine.

NM_001127222.2(CACNA1A):c.3406C>T (p.Pro1136Ser)

Gene: CACNA1A (calcium voltage-gated channel subunit alpha1 A; minus strand). Cytogenetic location: 19p13.13.
Variant type: single nucleotide variant.
Coding change: c.3406C>T on transcript NM_001127222.2 (MANE Select); coding-DNA position 3406, C replaced by T.
Protein change: p.Pro1136Ser; replaces proline 1136 with serine.
Molecular consequence: missense variant.
Genome position (GRCh38, 1-based): chr19:13,286,650, G>A on the plus strand (C>T on the coding strand, the complement: CACNA1A is on the minus strand). VCF-style: chr19-13286650-G-A. GRCh37 (hg19) VCF-style: chr19-13397464-G-A.
Other names: c.3418C>T, p.Pro1140Ser (NM_000068.4, NM_023035.3); c.3409C>T, p.Pro1137Ser (NM_001127221.2, NM_001174080.2); short protein forms P1137S, P1136S, P1140S.
Identifiers: ClinVar variation 937630 (VCV000937630.10), dbSNP rs764131315, ClinGen allele CA404341433.